The following is an entry in ClinVar:

ClinVar aggregate classification (germline): Uncertain significance (1 of 4 stars; one submission).

Allele frequency attached by ClinVar (database versions not stated): gnomAD exomes below 0.00001; gnomAD 0.00001; TOPMed 0.00002.
gnomAD v4.1: 2 of 1,613,410 alleles (0.00012%); highest among the groups gnomAD compares: African/African-American, 0.0027%; no homozygotes.

Submission:

Labcorp Genetics (formerly Invitae), Labcorp
Classification: Uncertain significance. Last evaluated: 2022-09-29. Review status: criteria provided, single submitter. Criteria: Invitae Variant Classification Sherloc (09022015). Collection method: clinical testing. Allele origin: germline.
Comment: In summary, the available evidence is currently insufficient to determine the role of this variant in disease. Therefore, it has been classified as a Variant of Uncertain Significance. Algorithms developed to predict the effect of missense changes on protein structure and function (SIFT, PolyPhen-2, Align-GVGD) all suggest that this variant is likely to be tolerated. This variant has not been reported in the literature in individuals affected with MACF1-related conditions. This variant is not present in population databases (gnomAD no frequency). This sequence change replaces threonine, which is neutral and polar, with alanine, which is neutral and non-polar, at codon 4163 of the MACF1 protein (p.Thr4163Ala).

NM_001394062.1(MACF1):c.18664A>G (p.Thr6222Ala)

Gene: MACF1 (microtubule actin crosslinking factor 1; plus strand). Cytogenetic location: 1p34.3.
Variant type: single nucleotide variant.
Coding change: c.18664A>G on transcript NM_001394062.1 (MANE Select); coding-DNA position 18664, A replaced by G.
Protein change: p.Thr6222Ala; replaces threonine 6222 with alanine.
Molecular consequence: missense variant.
Genome position (GRCh38, 1-based): chr1:39,441,317, A>G. VCF-style: chr1-39441317-A-G. GRCh37 (hg19) VCF-style: chr1-39906989-A-G.
Other names: c.6742A>G, p.Thr2248Ala (NM_001397473.1); c.12487A>G, p.Thr4163Ala (NM_012090.5); short protein forms T4163A, T2248A, T6222A.
Identifiers: ClinVar variation 2016081 (VCV002016081.4), dbSNP rs1416948250, ClinGen allele CA339811020.